The following is an entry in ClinVar:

ClinVar aggregate classification (germline): Uncertain significance (1 of 4 stars; one submission).

Conditions:
Inborn genetic diseases. Identifiers: MedGen C0950123, MeSH D030342.

Allele frequency attached by ClinVar (database versions not stated): gnomAD exomes below 0.00001.
gnomAD v4.1: 1 of 1,613,958 alleles (0.000062%); highest among the groups gnomAD compares: Admixed American, 0.0017%; no homozygotes.

Submission:

Ambry Genetics
Classification: Uncertain significance for Inborn genetic diseases. Last evaluated: 2022-08-17. Review status: criteria provided, single submitter. Criteria: Ambry Variant Classification Scheme 2023. Collection method: clinical testing. Allele origin: germline.
Comment: The p.S1360P variant (also known as c.4078T>C), located in coding exon 29 of the LRRK2 gene, results from a T to C substitution at nucleotide position 4078. The serine at codon 1360 is replaced by proline, an amino acid with similar properties. This amino acid position is conserved. In addition, this alteration is predicted to be tolerated by in silico analysis. Since supporting evidence is limited at this time, the clinical significance of this alteration remains unclear.

NM_198578.4(LRRK2):c.4078T>C (p.Ser1360Pro)

Gene: LRRK2 (leucine rich repeat kinase 2; plus strand). Cytogenetic location: 12q12.
Variant type: single nucleotide variant.
Coding change: c.4078T>C on transcript NM_198578.4 (MANE Select); coding-DNA position 4078, T replaced by C.
Protein change: p.Ser1360Pro; replaces serine 1360 with proline.
Molecular consequence: missense variant.
Genome position (GRCh38, 1-based): chr12:40,308,585, T>C. VCF-style: chr12-40308585-T-C. GRCh37 (hg19) VCF-style: chr12-40702387-T-C.
Other names: short protein forms S1360P.
Identifiers: ClinVar variation 1737597 (VCV001737597.2), dbSNP rs1380660214, ClinGen allele CA384417707.
Genomic context (GRCh38, chr12:40,308,585, plus strand): 5'-GTGGGAAATACTGGGAGTGGTAAAACCACCTTATTGCAGCAATTAATGAAAACCAAGAAA[T>C]CAGATCTTGGAATGCAAAGTGCCACAGTTGGCATAGATGTGAAAGACTGGCCTATCCAAA-3'
Protein context (NP_940980.4, residues 1350-1370): LLQQLMKTKK[Ser1360Pro]DLGMQSATVG